The following is an entry in ClinVar:

ClinVar aggregate classification (germline): Conflicting classifications of pathogenicity. Review status: criteria provided, conflicting classifications (1 of 4 stars). 4 submissions from 4 submitters: Uncertain significance (2); Likely benign (2). Last evaluated 2025-09-05.

Conditions:
Inborn genetic diseases. Identifiers: MedGen C0950123, MeSH D030342.

Allele frequency attached by ClinVar (database versions not stated): TOPMed 0.00032; ESP Exome Variant Server 0.00054; 1000 Genomes Project 0.00060; 1000 Genomes Project 30x 0.00062; gnomAD 0.00022 and 0.00027.
gnomAD v4.1: 563 of 1,602,986 alleles (0.035%); highest among the groups gnomAD compares: Middle Eastern, 0.26%; no homozygotes.

Submissions (4):

Labcorp Genetics (formerly Invitae), Labcorp
Classification: Likely benign. Last evaluated: 2025-09-05. Review status: criteria provided, single submitter. Criteria: Invitae Variant Classification Sherloc (09022015). Collection method: clinical testing. Allele origin: germline.

Mayo Clinic Laboratories, Mayo Clinic
Classification: Uncertain significance. Last evaluated: 2025-02-02. Review status: criteria provided, single submitter. Criteria: ACMG Guidelines, 2015. Collection method: clinical testing. Allele origin: germline. Observed: 1 variant allele.
Comment: BS1

Ambry Genetics
Classification: Uncertain significance for Inborn genetic diseases. Last evaluated: 2021-12-13. Review status: criteria provided, single submitter. Criteria: Ambry Variant Classification Scheme 2023. Collection method: clinical testing. Allele origin: germline.

Breakthrough Genomics
Classification: Likely benign. Review status: criteria provided, single submitter. Criteria: ACMG Guidelines, 2015. Collection method: not provided. Allele origin: germline. Inheritance: Autosomal recessive inheritance. Affected: yes.

Literature cited by the submitters: PubMed 35794704 (cited by Mayo Clinic Laboratories, Mayo Clinic).

NM_005186.4(CAPN1):c.517G>A (p.Gly173Arg)

Gene: CAPN1 (calpain 1; plus strand). Cytogenetic location: 11q13.1.
Variant type: single nucleotide variant.
Coding change: c.517G>A on transcript NM_005186.4 (MANE Select); coding-DNA position 517, G replaced by A.
Protein change: p.Gly173Arg; replaces glycine 173 with arginine.
Molecular consequence: missense variant. On other transcripts: non-coding transcript variant (1).
Genome position (GRCh38, 1-based): chr11:65,185,977, G>A. VCF-style: chr11-65185977-G-A. GRCh37 (hg19) VCF-style: chr11-64953448-G-A.
Other names: p.Gly173Arg; c.517G>A, p.Gly173Arg (NM_001198868.2, NM_001198869.2); c.517G>A (NM_001198868.1); short protein forms G173R.
Identifiers: ClinVar variation 1597055 (VCV001597055.11), dbSNP rs199993600, ClinGen allele CA6093112.